The following is an entry in ClinVar:

ClinVar aggregate classification (germline): Conflicting classifications of pathogenicity. Review status: criteria provided, conflicting classifications (1 of 4 stars). 7 submissions from 7 submitters: Uncertain significance (5); Benign (2). Last evaluated 2026-01-20.

Conditions:
Hereditary cancer-predisposing syndrome. Also called: Tumor predisposition; Hereditary neoplastic syndrome; Neoplastic Syndromes, Hereditary; Hereditary Cancer Syndrome. Identifiers: Orphanet 140162, MedGen C0027672, MeSH D009386, MONDO:0015356.
Gorlin syndrome. Also called: Nevoid Basal Cell Carcinoma Syndrome; Basal cell nevus syndrome. Identifiers: Orphanet 377, MedGen C0004779, MONDO:0007187.
PTCH1-related disorder. Also called: PTCH1-related disorders; PTCH1-related condition.

Allele frequency attached by ClinVar (database versions not stated): TOPMed 0.00001; 1000 Genomes Project 0.00020; 1000 Genomes Project 30x 0.00031.
gnomAD v4.1: 16 of 1,600,904 alleles (0.001%); highest among the groups gnomAD compares: East Asian, 0.011%; no homozygotes.

Submissions (7):

PreventionGenetics, part of Exact Sciences
Classification: Uncertain significance for PTCH1-related condition. Last evaluated: 2026-01-20. Review status: criteria provided, single submitter. Criteria: ACMG Guidelines, 2015. Collection method: clinical testing. Allele origin: germline.
Comment: The PTCH1 c.109G>T variant is predicted to result in the amino acid substitution p.Gly37Trp. This variant was reported in an individual with epidermal nevus syndrome (Deng et al. 2022. PubMed ID: 36171624). This variant is reported in 0.024% of alleles in individuals of East Asian descent in gnomAD. This variant has conflicting interpretations in ClinVar ranging from uncertain to likely benign (Variation ID: 453771). At this time, the clinical significance of this variant is uncertain due to the absence of conclusive functional and genetic evidence.

Labcorp Genetics (formerly Invitae), Labcorp
Classification: Benign for Gorlin syndrome. Last evaluated: 2026-01-16. Review status: criteria provided, single submitter. Criteria: Invitae Variant Classification Sherloc (09022015). Collection method: clinical testing. Allele origin: germline.

Center for Genomic Medicine, Rigshospitalet, Copenhagen University Hospital
Classification: Uncertain significance. Last evaluated: 2025-12-29. Review status: criteria provided, single submitter. Criteria: ACMG Guidelines, 2015. Collection method: clinical testing. Allele origin: germline.

Quest Diagnostics Nichols Institute San Juan Capistrano
Classification: Uncertain significance. Last evaluated: 2025-10-16. Review status: criteria provided, single submitter. Criteria: Quest Diagnostics criteria. Collection method: clinical testing. Allele origin: unknown.
Comment: The PTCH1 c.109G>T (p.Gly37Trp) variant has been reported in individuals with epidermal nevus syndrome (PMID: 36171624 (2022)) and glioblastoma (PMID: 33486679 (2021)). The frequency of this variant in the general population (Genome Aggregation Database) is higher than would generally be expected for pathogenic variants in this gene. Analysis of this variant using bioinformatics tools for the prediction of the effect of amino acid changes on protein structure and function yielded predictions that this variant is benign. Based on the available information, we are unable to determine the clinical significance of this variant.

Ambry Genetics
Classification: Benign for Hereditary cancer-predisposing syndrome. Last evaluated: 2025-09-12. Review status: criteria provided, single submitter. Criteria: Ambry Variant Classification Scheme 2023. Collection method: clinical testing. Allele origin: germline.

Molecular Pathology, Peter Maccallum Cancer Centre
Classification: Uncertain significance for Gorlin syndrome. Last evaluated: 2024-07-04. Review status: criteria provided, single submitter. Criteria: ACMG Guidelines, 2015. Collection method: clinical testing. Allele origin: germline. Inheritance: Autosomal dominant inheritance.

Women's Health and Genetics/Laboratory Corporation of America, LabCorp
Classification: Uncertain significance. Last evaluated: 2021-11-30. Review status: criteria provided, single submitter. Criteria: LabCorp Variant Classification Summary - May 2015. Collection method: clinical testing. Allele origin: germline.

Literature cited by the submitters: PubMed 36171624 (cited by Center for Genomic Medicine, Rigshospitalet, Copenhagen University Hospital and Quest Diagnostics Nichols Institute San Juan Capistrano); PubMed 30900264 (cited by Quest Diagnostics Nichols Institute San Juan Capistrano); PubMed 33486679 (cited by Quest Diagnostics Nichols Institute San Juan Capistrano); PubMed 35140749 (cited by Quest Diagnostics Nichols Institute San Juan Capistrano); PubMed 32586046 (cited by Quest Diagnostics Nichols Institute San Juan Capistrano).

NM_000264.5(PTCH1):c.109G>T (p.Gly37Trp)

Genes: PTCH1 (patched 1; minus strand), LOC130002133 (ATAC-STARR-seq lymphoblastoid silent region 20071; plus strand). Cytogenetic location: 9q22.32.
Variant type: single nucleotide variant.
Coding change: c.109G>T on transcript NM_000264.5 (MANE Select); coding-DNA position 109, G replaced by T.
Protein change: p.Gly37Trp; replaces glycine 37 with tryptophan.
Molecular consequence: missense variant. On other transcripts: non-coding transcript variant (1), intron variant (3).
Genome position (GRCh38, 1-based): chr9:95,508,253, C>A on the plus strand (G>T on the coding strand, the complement: PTCH1 is on the minus strand). VCF-style: chr9-95508253-C-A. GRCh37 (hg19) VCF-style: chr9-98270535-C-A.
Other names: c.109G>T (NM_000264.4); c.109G>T, p.Gly37Trp (NM_001354918.2); c.199-1654G>T (NM_001083603.3); c.4-1654G>T (NM_001083602.3, NM_001354919.2); short protein forms G37W.
Identifiers: ClinVar variation 453771 (VCV000453771.19), dbSNP rs199976372, ClinGen allele CA5139049.